The following is an entry in ClinVar:

ClinVar aggregate classification (germline): Uncertain significance (1 of 4 stars; one submission).

Conditions:
Hereditary spastic paraplegia 4. Also called: Spastic paraplegia 4, autosomal dominant; Spastic Paraplegia 4; Familial spastic paraplegia autosomal dominant 2. Identifiers: Orphanet 100985, MedGen C1866855, MONDO:0008438, OMIM 182601.

Submission:

Broad Center for Mendelian Genomics, Broad Institute of MIT and Harvard
Classification: Uncertain significance for Hereditary spastic paraplegia 4. Last evaluated: 2026-03-05. Review status: criteria provided, single submitter. Criteria: ACMG Guidelines, 2015. Collection method: research. Allele origin: germline. Inheritance: Autosomal dominant inheritance. Study: GREGoR Consortium.
Comment: The p.Arg431Pro variant in SPAST has been reported in one individual with hereditary spastic paraplegia (Chen 2019 PMID: 31227335 and Zhao 2019 PMID: 31630374). This variant was also identified through WGS analysis in an adult with degenerative neuromuscular disease, neuropathy, urinary and bowel incontinence, and cognitive dysfunction by the Broad Institute Rare Genomes Project (PS4_supporting). This variant was absent from large population datasets in gnomAD using high quality data filters (PM2_Supporting). Computational prediction tools and conservation analyses suggest that this variant may impact the protein, though this information is not predictive enough to determine pathogenicity (PP3). In summary, the clinical significance of this variant is uncertain. ACMG/AMP Criteria applied: PP3, PS4_supporting, PM2_Supporting.

NM_014946.4(SPAST):c.1292G>C (p.Arg431Pro)

Gene: SPAST (spastin; plus strand). Cytogenetic location: 2p22.3.
Variant type: single nucleotide variant.
Coding change: c.1292G>C on transcript NM_014946.4 (MANE Select); coding-DNA position 1292, G replaced by C.
Protein change: p.Arg431Pro; replaces arginine 431 with proline.
Molecular consequence: missense variant.
Genome position (GRCh38, 1-based): chr2:32,136,609, G>C. VCF-style: chr2-32136609-G-C. GRCh37 (hg19) VCF-style: chr2-32361678-G-C.
Other names: NM_199436.2:c.1196G>C; c.1289G>C, p.Arg430Pro (NM_001363823.2); c.1193G>C, p.Arg398Pro (NM_001363875.2); c.1196G>C, p.Arg399Pro (NM_001377959.1, NM_199436.2); short protein forms R398P, R399P, R430P, R431P.
Identifiers: ClinVar variation 4819584 (VCV004819584.1).
Genomic context (GRCh38, chr2:32,136,609, plus strand): 5'-ATGCTTTGTTTTAGGTGGGAGAAGGAGAGAAATTGGTGAGGGCTCTTTTTGCTGTGGCTC[G>C]AGAACTTCAACCTTCTATAATTTTTATAGGTAAGAACATATTTTCCAACTAAGTTATTGA-3'
Protein context (NP_055761.2, residues 421-441): KLVRALFAVA[Arg431Pro]ELQPSIIFID